The following is an entry in ClinVar:

NM_001110556.2(FLNA):c.3224C>T (p.Pro1075Leu)

Gene: FLNA (filamin A; minus strand). Cytogenetic location: Xq28.
Variant type: single nucleotide variant.
Coding change: c.3224C>T on transcript NM_001110556.2 (MANE Select); coding-DNA position 3224, C replaced by T.
Protein change: p.Pro1075Leu; replaces proline 1075 with leucine.
Molecular consequence: missense variant.
Genome position (GRCh38, 1-based): chrX:154,360,571, G>A on the plus strand (C>T on the coding strand, the complement: FLNA is on the minus strand). VCF-style: chrX-154360571-G-A. GRCh37 (hg19) VCF-style: chrX-153588939-G-A.
Other names: c.3224C>T, p.Pro1075Leu (NM_001456.4); short protein forms P1075L.
Identifiers: ClinVar variation 519889 (VCV000519889.18), dbSNP rs782406278, ClinGen allele CA10560743.

ClinVar aggregate classification (germline): Conflicting classifications of pathogenicity. Review status: criteria provided, conflicting classifications (1 of 4 stars). 4 submissions from 4 submitters: Uncertain significance (3); Likely benign (1). Last evaluated 2026-01-09.

Conditions:
Melnick-Needles syndrome (MNS). Also called: MELNICK-NEEDLES OSTEODYSPLASTY; Melnick-Needles Syndrome (FLNA-MNS); OSTEODYSPLASTY OF MELNICK AND NEEDLES. Identifiers: Orphanet 2484, MedGen C0025237, MONDO:0010650, OMIM 309350.
Frontometaphyseal dysplasia (FMD1). Identifiers: Orphanet 1826, MedGen C0265293, MONDO:0015942.
Heterotopia, periventricular, X-linked dominant (PVNH1). Also called: PERIVENTRICULAR NODULAR HETEROTOPIA 4; HETEROTOPIA, PERIVENTRICULAR, 1; PERIVENTRICULAR NODULAR HETEROTOPIA 1; X-linked periventricular heterotopia. Identifiers: Orphanet 2149, Orphanet 82004, MedGen C1848213, MONDO:0010233, OMIM 300049.
Oto-palato-digital syndrome, type II (OPD2). Also called: Otopalatodigital Syndrome Type 2 (FLNA-OPD2); FACIOPALATOOSSEOUS SYNDROME; OPD II SYNDROME; Otopalatodigital Syndrome, Type II. Identifiers: Orphanet 669, Orphanet 90652, MedGen C1844696, MONDO:0010571, OMIM 304120.
Familial thoracic aortic aneurysm and aortic dissection (TAAD). Also called: Thoracic aortic aneurysms and dissections. Identifiers: Orphanet 91387, MedGen C4707243, MONDO:0019625.

Allele frequency attached by ClinVar (database versions not stated): gnomAD exomes below 0.00001 and 0.00001; ExAC 0.00002; TOPMed 0.00002; gnomAD 0.00003.
gnomAD v4.1: 8 of 1,204,836 alleles (0.00066%); highest among the groups gnomAD compares: African/African-American, 0.0017%; no homozygotes.

Submissions (4):

Labcorp Genetics (formerly Invitae), Labcorp
Classification: Likely benign for Oto-palato-digital syndrome, type II; Heterotopia, periventricular, X-linked dominant; Frontometaphyseal dysplasia; Melnick-Needles syndrome. Last evaluated: 2026-01-09. Review status: criteria provided, single submitter. Criteria: Invitae Variant Classification Sherloc (09022015). Collection method: clinical testing. Allele origin: germline.

GeneDx
Classification: Uncertain significance. Last evaluated: 2025-05-01. Review status: criteria provided, single submitter. Criteria: GeneDx Variant Classification Process June 2021. Collection method: clinical testing. Allele origin: germline. Affected: yes.
Comment: In silico analysis supports that this missense variant has a deleterious effect on protein structure/function; Has not been previously published as pathogenic or benign to our knowledge

Women's Health and Genetics/Laboratory Corporation of America, LabCorp
Classification: Uncertain significance. Last evaluated: 2023-10-19. Review status: criteria provided, single submitter. Criteria: LabCorp Variant Classification Summary - May 2015. Collection method: clinical testing. Allele origin: germline.

Ambry Genetics
Classification: Uncertain significance for Familial thoracic aortic aneurysm and aortic dissection. Last evaluated: 2017-05-15. Review status: criteria provided, single submitter. Criteria: Ambry Variant Classification Scheme 2023. Collection method: clinical testing. Allele origin: germline.
Comment: The p.P1075L variant (also known as c.3224C>T), located in coding exon 21 of the FLNA gene, results from a C to T substitution at nucleotide position 3224. The proline at codon 1075 is replaced by leucine, an amino acid with similar properties. This amino acid position is highly conserved in available vertebrate species. In addition, the in silico prediction for this alteration is inconclusive. Since supporting evidence is limited at this time, the clinical significance of this alteration remains unclear.